The following is an entry in ClinVar:

NM_014714.4(IFT140):c.1831G>A (p.Val611Ile)

Gene: IFT140 (intraflagellar transport 140; minus strand). Cytogenetic location: 16p13.3.
Variant type: single nucleotide variant.
Coding change: c.1831G>A on transcript NM_014714.4 (MANE Select); coding-DNA position 1831, G replaced by A.
Protein change: p.Val611Ile; replaces valine 611 with isoleucine.
Molecular consequence: missense variant.
Genome position (GRCh38, 1-based): chr16:1,566,231, C>T on the plus strand (G>A on the coding strand, the complement: IFT140 is on the minus strand). VCF-style: chr16-1566231-C-T. GRCh37 (hg19) VCF-style: chr16-1616232-C-T.
Other names: p.Val611Ile; short protein forms V611I.
Identifiers: ClinVar variation 318186 (VCV000318186.24), dbSNP rs35301526, ClinGen allele CA7814122.
Genomic context (GRCh38, chr16:1,566,231, plus strand): 5'-CTTGCTCATTAAAGGACAGCGTCTCTCTCCGATCAATTTGTCCAGTCTTGAAGTCAAAGA[C>T]GGTCACTGTGTCCATTTCAACATCGTAGAAGCAGATTTTGGAATCAGGGCTGTTGTCAGC-3'
Protein context (NP_055529.2, residues 601-621): FYDVEMDTVT[Val611Ile]FDFKTGQIDR

ClinVar aggregate classification (germline): Benign/Likely benign. Review status: criteria provided, multiple submitters, no conflicts (2 of 4 stars). 10 submissions from 10 submitters: Benign (1); Likely benign (6). 3 of the submissions do not count toward it. Last evaluated 2026-02-25.

Conditions:
Inborn genetic diseases. Identifiers: MedGen C0950123, MeSH D030342.
Saldino-Mainzer syndrome (SRTD9). Also called: short-rib thoracic dysplasia 9 with or without polydactyly; SHORT-RIB THORACIC DYSPLASIA 9 WITHOUT POLYDACTYLY; Renal dysplasia, retinal pigmentary dystrophy, cerebellar ataxia and skeletal dysplasia; CONORENAL SYNDROME. Identifiers: Orphanet 140969, MedGen C1849437, MONDO:0009964, OMIM 266920.
IFT140-related disorder. Also called: IFT140-related condition.

Allele frequency attached by ClinVar (database versions not stated): gnomAD exomes 0.00028 and 0.00083; ExAC 0.00098; gnomAD 0.00221 and 0.00228; TOPMed 0.00244; ESP Exome Variant Server 0.00277; 1000 Genomes Project 0.00419; 1000 Genomes Project 30x 0.00437.
gnomAD v4.1: 785 of 1,613,810 alleles (0.049%); highest among the groups gnomAD compares: African/African-American, 0.67%; 1 homozygote.

Submissions (10):

PreventionGenetics, part of Exact Sciences
Classification: Benign for IFT140-related condition. Last evaluated: 2026-02-25. Review status: criteria provided, single submitter. Criteria: ACMG Guidelines, 2015. Collection method: clinical testing. Allele origin: germline.
Comment: This variant is classified as benign based on ACMG/AMP sequence variant interpretation guidelines (Richards et al. 2015 PMID: 25741868, with internal and published modifications).

Labcorp Genetics (formerly Invitae), Labcorp
Classification: Likely benign for Saldino-Mainzer syndrome. Last evaluated: 2026-01-25. Review status: criteria provided, single submitter. Criteria: Invitae Variant Classification Sherloc (09022015). Collection method: clinical testing. Allele origin: germline.

Ambry Genetics
Classification: Likely benign for Inborn genetic diseases. Last evaluated: 2025-08-05. Review status: criteria provided, single submitter. Criteria: Ambry Variant Classification Scheme 2023. Collection method: clinical testing. Allele origin: germline.

Mayo Clinic Laboratories, Mayo Clinic
Classification: Likely benign. Last evaluated: 2025-04-22. Review status: criteria provided, single submitter. Criteria: ACMG Guidelines, 2015. Collection method: clinical testing. Allele origin: germline. Observed: 1 variant allele.
Comment: BS1, BP4_moderate

Blueprint Genetics
Classification: Likely benign. Last evaluated: 2024-11-24. Review status: criteria provided, single submitter. Criteria: ACMG Guidelines, 2015. Collection method: clinical testing. Allele origin: germline.

Illumina Laboratory Services, Illumina
Classification: Likely benign for Saldino-Mainzer syndrome. Last evaluated: 2018-01-13. Review status: criteria provided, single submitter. Criteria: ICSL Variant Classification Criteria 13 December 2019. Collection method: clinical testing. Allele origin: germline.
Comment: This variant was observed in the ICSL laboratory as part of a predisposition screen in an ostensibly healthy population. It had not been previously curated by ICSL or reported in the Human Gene Mutation Database (HGMD: prior to June 1st, 2018), and was therefore a candidate for classification through an automated scoring system. Utilizing variant allele frequency, disease prevalence and penetrance estimates, and inheritance mode, an automated score was calculated to assess if this variant is too frequent to cause the disease. Based on the score and internal cut-off values, a variant classified as likely benign is not then subjected to further curation. The score for this variant resulted in a classification of likely benign for this disease.

Breakthrough Genomics
Classification: Likely benign. Review status: criteria provided, single submitter. Criteria: ACMG Guidelines, 2015. Collection method: not provided. Allele origin: germline. Inheritance: Autosomal recessive inheritance. Affected: yes.

Clinical Genetics DNA and cytogenetics Diagnostics Lab, Erasmus MC, Erasmus Medical Center
Classification: Likely benign. Review status: no assertion criteria provided. Collection method: clinical testing. Allele origin: germline. Affected: yes. Study: VKGL Data-share Consensus. Not counted in ClinVar's aggregate classification.

Clinical Genetics, Academic Medical Center
Classification: Benign. Review status: no assertion criteria provided. Collection method: clinical testing. Allele origin: germline. Affected: yes. Study: VKGL Data-share Consensus. Not counted in ClinVar's aggregate classification.

Laboratory of Diagnostic Genome Analysis, Leiden University Medical Center (LUMC)
Classification: Likely benign. Review status: no assertion criteria provided. Collection method: clinical testing. Allele origin: germline. Affected: yes. Study: VKGL Data-share Consensus. Not counted in ClinVar's aggregate classification.